The following is an entry in ClinVar:

ClinVar aggregate classification (germline): Uncertain significance (1 of 4 stars; one submission).

Conditions:
Mucopolysaccharidosis, MPS-III-A (MPS3A). Also called: HEPARAN SULFATE SULFATASE DEFICIENCY; SANFILIPPO SYNDROME A; SULFAMIDASE DEFICIENCY; MPS III A; MPS IIIA (Sanfilippo Syndrome Type A); Mucopolysaccharidosis type IIIA (Sanfilippo A). Identifiers: Orphanet 581, Orphanet 79269, MedGen C0086647, MONDO:0009655, OMIM 252900.

Submission:

Labcorp Genetics (formerly Invitae), Labcorp
Classification: Uncertain significance for Mucopolysaccharidosis, MPS-III-A. Last evaluated: 2021-02-18. Review status: criteria provided, single submitter. Criteria: Invitae Variant Classification Sherloc (09022015). Collection method: clinical testing. Allele origin: germline.
Comment: Algorithms developed to predict the effect of missense changes on protein structure and function (SIFT, PolyPhen-2, Align-GVGD) all suggest that this variant is likely to be tolerated, but these predictions have not been confirmed by published functional studies and their clinical significance is uncertain. In summary, the available evidence is currently insufficient to determine the role of this variant in disease. Therefore, it has been classified as a Variant of Uncertain Significance. This variant has not been reported in the literature in individuals with SGSH-related conditions. This variant is not present in population databases (ExAC no frequency). This sequence change replaces aspartic acid with asparagine at codon 51 of the SGSH protein (p.Asp51Asn). The aspartic acid residue is moderately conserved and there is a small physicochemical difference between aspartic acid and asparagine.

NM_000199.5(SGSH):c.151G>A (p.Asp51Asn)

Gene: SGSH (N-sulfoglucosamine sulfohydrolase; minus strand). Cytogenetic location: 17q25.3.
Variant type: single nucleotide variant.
Coding change: c.151G>A on transcript NM_000199.5 (MANE Select); coding-DNA position 151, G replaced by A.
Protein change: p.Asp51Asn; replaces aspartic acid 51 with asparagine.
Molecular consequence: missense variant. On other transcripts: non-coding transcript variant (1).
Genome position (GRCh38, 1-based): chr17:80,217,130, C>T on the plus strand (G>A on the coding strand, the complement: SGSH is on the minus strand). VCF-style: chr17-80217130-C-T. GRCh37 (hg19) VCF-style: chr17-78190929-C-T.
Other names: c.151G>A, p.Asp51Asn (NM_001352921.3, NM_001352922.2); short protein forms D51N.
Identifiers: ClinVar variation 1505689 (VCV001505689.8), dbSNP rs2144782205, ClinGen allele CA401364462.